The following is an entry in ClinVar:

ClinVar aggregate classification (germline): Uncertain significance. Review status: criteria provided, multiple submitters, no conflicts (2 of 4 stars). 2 submissions from 2 submitters: Uncertain significance (2). Last evaluated 2026-05-01.

Conditions:
NOG-related disorder. Also called: NOG-related disorders; NOG-related condition.
Inborn genetic diseases. Identifiers: MedGen C0950123, MeSH D030342.

Submissions (2):

PreventionGenetics, part of Exact Sciences
Classification: Uncertain significance for NOG-related condition. Last evaluated: 2026-05-01. Review status: criteria provided, single submitter. Criteria: ACMG Guidelines, 2015. Collection method: clinical testing. Allele origin: germline.
Comment: The NOG c.265G>A variant is predicted to result in the amino acid substitution p.Gly89Ser. To our knowledge, this variant has not been reported in the literature. This variant is reported in 0.0029% of alleles in individuals of Latino descent in gnomAD. At this time, the clinical significance of this variant is uncertain due to the absence of conclusive functional and genetic evidence.

Ambry Genetics
Classification: Uncertain significance for Inborn genetic diseases. Last evaluated: 2025-06-24. Review status: criteria provided, single submitter. Criteria: Ambry Variant Classification Scheme 2023. Collection method: clinical testing. Allele origin: germline.

NM_005450.6(NOG):c.265G>A (p.Gly89Ser)

Gene: NOG (noggin; plus strand). Cytogenetic location: 17q22.
Variant type: single nucleotide variant.
Coding change: c.265G>A on transcript NM_005450.6 (MANE Select); coding-DNA position 265, G replaced by A.
Protein change: p.Gly89Ser; replaces glycine 89 with serine.
Molecular consequence: missense variant.
Genome position (GRCh38, 1-based): chr17:56,594,488, G>A. VCF-style: chr17-56594488-G-A. GRCh37 (hg19) VCF-style: chr17-54671849-G-A.
Other names: short protein forms G89S.
Identifiers: ClinVar variation 4121209 (VCV004121209.2).